The following is an entry in ClinVar:

ClinVar aggregate classification (germline): Benign. Review status: criteria provided, single submitter (1 of 4 stars). 2 submissions from 1 submitter: Benign (2). Last evaluated 2018-01-12.

Conditions:
Cone-rod dystrophy 11 (CORD11). Identifiers: Orphanet 1872, MedGen C1835865, MONDO:0012483, OMIM 610381.
Age related macular degeneration 6. Identifiers: MedGen C3151060, MONDO:0013406, OMIM 613757.

Allele frequency attached by ClinVar (database versions not stated): gnomAD 0.00201; TOPMed 0.00328; 1000 Genomes Project 0.00479; 1000 Genomes Project 30x 0.00500.

Submissions (2):

Illumina Laboratory Services, Illumina
Classification: Benign for Cone-rod dystrophy 11. Last evaluated: 2018-01-12. Review status: criteria provided, single submitter. Criteria: ICSL Variant Classification Criteria 13 December 2019. Collection method: clinical testing. Allele origin: germline.
Comment: This variant was observed in the ICSL laboratory as part of a predisposition screen in an ostensibly healthy population. It had not been previously curated by ICSL or reported in the Human Gene Mutation Database (HGMD: prior to June 1st, 2018), and was therefore a candidate for classification through an automated scoring system. Utilizing variant allele frequency, disease prevalence and penetrance estimates, and inheritance mode, an automated score was calculated to assess if this variant is too frequent to cause the disease. Based on the score and internal cut-off values, a variant classified as benign is not then subjected to further curation. The score for this variant resulted in a classification of benign for this disease.

Illumina Laboratory Services, Illumina
Classification: Benign for Age related macular degeneration 6. Last evaluated: 2018-01-12. Review status: criteria provided, single submitter. Criteria: ICSL Variant Classification Criteria 13 December 2019. Collection method: clinical testing. Allele origin: germline.
Comment: the same text as in the submission from Illumina Laboratory Services, Illumina above.

NM_001319074.4(RAX2):c.*689C>T

Gene: RAX2 (retina and anterior neural fold homeobox 2; minus strand). Cytogenetic location: 19p13.3.
Variant type: single nucleotide variant.
Coding change: c.*689C>T on transcript NM_001319074.4 (MANE Select); 689 bases downstream of the stop codon, C replaced by T.
Molecular consequence: 3 prime UTR variant.
Genome position (GRCh38, 1-based): chr19:3,769,932, G>A on the plus strand (C>T on the coding strand, the complement: RAX2 is on the minus strand). VCF-style: chr19-3769932-G-A. GRCh37 (hg19) VCF-style: chr19-3769930-G-A.
Other names: c.*689C>T (NM_032753.4).
Identifiers: ClinVar variation 328956 (VCV000328956.5), dbSNP rs115071988, ClinGen allele CA10651801.